The following is an entry in ClinVar:

NM_001927.4(DES):c.479G>A (p.Arg160Gln)

Gene: DES (desmin; plus strand). Cytogenetic location: 2q35.
Variant type: single nucleotide variant.
Coding change: c.479G>A on transcript NM_001927.4 (MANE Select); coding-DNA position 479, G replaced by A.
Protein change: p.Arg160Gln; replaces arginine 160 with glutamine.
Molecular consequence: missense variant.
Genome position (GRCh38, 1-based): chr2:219,418,941, G>A. VCF-style: chr2-219418941-G-A. GRCh37 (hg19) VCF-style: chr2-220283663-G-A.
Other names: c.479G>A, p.Arg160Gln (NM_001382708.1, NM_001382709.1, NM_001382710.1 and 3 more transcripts); short protein forms R160Q.
Identifiers: ClinVar variation 1304314 (VCV001304314.2), dbSNP rs1173534531, ClinGen allele CA350686563.

ClinVar aggregate classification (germline): Uncertain significance (1 of 4 stars; one submission).

Allele frequency attached by ClinVar (database versions not stated): gnomAD exomes below 0.00001.
gnomAD v4.1: 1 of 1,557,490 alleles (0.000064%); highest among the groups gnomAD compares: African/African-American, 0.0014%; no homozygotes.

Submission:

GeneDx
Classification: Uncertain significance. Last evaluated: 2019-09-09. Review status: criteria provided, single submitter. Criteria: GeneDx Variant Classification Process June 2021. Collection method: clinical testing. Allele origin: germline. Affected: yes.
Comment: Has not been previously published as pathogenic or benign to our knowledge; Not observed in large population cohorts (Lek et al., 2016); In silico analysis, which includes protein predictors and evolutionary conservation, supports a deleterious effect